The following is an entry in ClinVar:

ClinVar aggregate classification (germline): Uncertain significance (1 of 4 stars; one submission).

Submission:

Labcorp Genetics (formerly Invitae), Labcorp
Classification: Uncertain significance. Last evaluated: 2022-07-02. Review status: criteria provided, single submitter. Criteria: Invitae Variant Classification Sherloc (09022015). Collection method: clinical testing. Allele origin: germline.
Comment: In summary, the available evidence is currently insufficient to determine the role of this variant in disease. Therefore, it has been classified as a Variant of Uncertain Significance. Algorithms developed to predict the effect of missense changes on protein structure and function output the following: SIFT: "Not Available"; PolyPhen-2: "Benign"; Align-GVGD: "Not Available". The glutamine amino acid residue is found in multiple mammalian species, which suggests that this missense change does not adversely affect protein function. This variant has not been reported in the literature in individuals affected with CEP250-related conditions. This variant is not present in population databases (gnomAD no frequency). This sequence change replaces glutamic acid, which is acidic and polar, with glutamine, which is neutral and polar, at codon 2062 of the CEP250 protein (p.Glu2062Gln).

NM_007186.6(CEP250):c.6184G>C (p.Glu2062Gln)

Gene: CEP250 (centrosomal protein 250; plus strand). Cytogenetic location: 20q11.22.
Variant type: single nucleotide variant.
Coding change: c.6184G>C on transcript NM_007186.6 (MANE Select); coding-DNA position 6184, G replaced by C.
Protein change: p.Glu2062Gln; replaces glutamic acid 2062 with glutamine.
Molecular consequence: missense variant.
Genome position (GRCh38, 1-based): chr20:35,504,553, G>C. VCF-style: chr20-35504553-G-C. GRCh37 (hg19) VCF-style: chr20-34092381-G-C.
Other names: c.4288G>C, p.Glu1430Gln (NM_001318219.1); short protein forms E1430Q, E2062Q.
Identifiers: ClinVar variation 1921579 (VCV001921579.5), dbSNP rs2516286600, ClinGen allele CA408756335.